The following is an entry in ClinVar:

ClinVar aggregate classification (germline): Conflicting classifications of pathogenicity. Review status: criteria provided, conflicting classifications (1 of 4 stars). 5 submissions from 4 submitters: Uncertain significance (4); Likely benign (1). Last evaluated 2024-08-14.

Conditions:
Hypoalphalipoproteinemia, primary, 1. Identifiers: Orphanet 425, MedGen C5231558, MONDO:0011393, OMIM 604091.
Tangier disease (TGD). Also called: HIGH DENSITY LIPOPROTEIN DEFICIENCY, TANGIER TYPE; HIGH DENSITY LIPOPROTEIN DEFICIENCY, TYPE 1; Cholesterol thesaurismosis. Identifiers: Orphanet 31150, MedGen C0039292, MONDO:0008783, OMIM 205400.
Cardiovascular phenotype. Identifiers: MedGen CN230736.

Allele frequency attached by ClinVar (database versions not stated): ExAC 0.00001; gnomAD exomes 0.00001 and 0.00002; TOPMed 0.00002.
gnomAD v4.1: 27 of 1,613,986 alleles (0.0017%); highest among the groups gnomAD compares: Non-Finnish European, 0.0023%; no homozygotes.

Submissions (5):

Ambry Genetics
Classification: Likely benign for Cardiovascular phenotype. Last evaluated: 2024-08-14. Review status: criteria provided, single submitter. Criteria: Ambry Variant Classification Scheme 2023. Collection method: clinical testing. Allele origin: germline.

Labcorp Genetics (formerly Invitae), Labcorp
Classification: Uncertain significance. Last evaluated: 2022-10-05. Review status: criteria provided, single submitter. Criteria: Invitae Variant Classification Sherloc (09022015). Collection method: clinical testing. Allele origin: germline.
Comment: This sequence change replaces histidine, which is basic and polar, with aspartic acid, which is acidic and polar, at codon 263 of the ABCA1 protein (p.His263Asp). This variant is present in population databases (rs200572505, gnomAD 0.004%). This variant has not been reported in the literature in individuals affected with ABCA1-related conditions. ClinVar contains an entry for this variant (Variation ID: 364454). Advanced modeling of protein sequence and biophysical properties (such as structural, functional, and spatial information, amino acid conservation, physicochemical variation, residue mobility, and thermodynamic stability) performed at Invitae indicates that this missense variant is not expected to disrupt ABCA1 protein function. In summary, the available evidence is currently insufficient to determine the role of this variant in disease. Therefore, it has been classified as a Variant of Uncertain Significance.

GeneDx
Classification: Uncertain significance. Last evaluated: 2022-01-26. Review status: criteria provided, single submitter. Criteria: GeneDx Variant Classification Process June 2021. Collection method: clinical testing. Allele origin: germline. Affected: yes.
Comment: Has not been previously published as pathogenic or benign to our knowledge; Not observed at significant frequency in large population cohorts (gnomAD); In silico analysis supports that this missense variant does not alter protein structure/function; This variant is associated with the following publications: (PMID: 25215231)

Illumina Laboratory Services, Illumina
Classification: Uncertain significance for Hypoalphalipoproteinemia, primary, 1. Last evaluated: 2018-01-13. Review status: criteria provided, single submitter. Criteria: ICSL Variant Classification Criteria 13 December 2019. Collection method: clinical testing. Allele origin: germline.

Illumina Laboratory Services, Illumina
Classification: Uncertain significance for Tangier disease. Last evaluated: 2018-01-13. Review status: criteria provided, single submitter. Criteria: ICSL Variant Classification Criteria 13 December 2019. Collection method: clinical testing. Allele origin: germline.

NM_005502.4(ABCA1):c.787C>G (p.His263Asp)

Gene: ABCA1 (ATP binding cassette subfamily A member 1; minus strand). Cytogenetic location: 9q31.1.
Variant type: single nucleotide variant.
Coding change: c.787C>G on transcript NM_005502.4 (MANE Select); coding-DNA position 787, C replaced by G.
Protein change: p.His263Asp; replaces histidine 263 with aspartic acid.
Molecular consequence: missense variant.
Genome position (GRCh38, 1-based): chr9:104,845,503, G>C on the plus strand (C>G on the coding strand, the complement: ABCA1 is on the minus strand). VCF-style: chr9-104845503-G-C. GRCh37 (hg19) VCF-style: chr9-107607784-G-C.
Other names: short protein forms H263D.
Identifiers: ClinVar variation 364454 (VCV000364454.9), dbSNP rs200572505, ClinGen allele CA5169215.